The following is an entry in ClinVar:

NM_000059.4(BRCA2):c.6755C>G (p.Ser2252Cys)

Gene: BRCA2 (BRCA2 DNA repair associated; plus strand). Cytogenetic location: 13q13.1.
Variant type: single nucleotide variant.
Coding change: c.6755C>G on transcript NM_000059.4 (MANE Select); coding-DNA position 6755, C replaced by G.
Protein change: p.Ser2252Cys; replaces serine 2252 with cysteine.
Molecular consequence: missense variant.
Genome position (GRCh38, 1-based): chr13:32,341,110, C>G. VCF-style: chr13-32341110-C-G. GRCh37 (hg19) VCF-style: chr13-32915247-C-G.
Other names: short protein forms S2252C.
Identifiers: ClinVar variation 230322 (VCV000230322.18), dbSNP rs876658504, ClinGen allele CA10579710.
Genomic context (GRCh38, chr13:32,341,110, plus strand): 5'-AAGCTTTTATGGAAGATGATGAACTGACAGATTCTAAACTGCCAAGTCATGCCACACATT[C>G]TCTTTTTACATGTCCCGAAAATGAGGAAATGGTTTTGTCAAATTCAAGAATTGGAAAAAG-3'
Protein context (NP_000050.3, residues 2242-2262): DSKLPSHATH[Ser2252Cys]LFTCPENEEM

ClinVar aggregate classification (germline): Conflicting classifications of pathogenicity. Review status: criteria provided, conflicting classifications (1 of 4 stars). 4 submissions from 4 submitters: Uncertain significance (3); Likely benign (1). Last evaluated 2025-05-01.

Conditions:
Hereditary cancer-predisposing syndrome. Also called: Hereditary neoplastic syndrome; Hereditary Cancer Syndrome; Neoplastic Syndromes, Hereditary; Tumor predisposition. Identifiers: Orphanet 140162, MedGen C0027672, MeSH D009386, MONDO:0015356.
Hereditary breast ovarian cancer syndrome. Also called: Hereditary breast and ovarian cancer syndrome; Hereditary breast and ovarian cancer syndrome (HBOC); Breast and ovarian cancer; Hereditary breast and/or ovarian cancer syndrome; Hereditary breast and ovarian cancer; BRCA1- and BRCA2-Associated Hereditary Breast and Ovarian Cancer. Identifiers: Orphanet 145, MedGen C0677776, MeSH D061325, MONDO:0003582. Disease mechanism: loss of function.

Submissions (4):

Ambry Genetics
Classification: Uncertain significance for Hereditary cancer-predisposing syndrome. Last evaluated: 2025-05-01. Review status: criteria provided, single submitter. Criteria: Ambry Variant Classification Scheme 2023. Collection method: clinical testing. Allele origin: germline.
Comment: The p.S2252C variant (also known as c.6755C>G), located in coding exon 10 of the BRCA2 gene, results from a C to G substitution at nucleotide position 6755. The serine at codon 2252 is replaced by cysteine, an amino acid with dissimilar properties. This amino acid position is not well conserved in available vertebrate species. In addition, the in silico prediction for this alteration is inconclusive. Since supporting evidence is limited at this time, the clinical significance of this alteration remains unclear.

Labcorp Genetics (formerly Invitae), Labcorp
Classification: Uncertain significance for Hereditary breast ovarian cancer syndrome. Last evaluated: 2025-02-26. Review status: criteria provided, single submitter. Criteria: Invitae Variant Classification Sherloc (09022015). Collection method: clinical testing. Allele origin: germline.
Comment: This sequence change replaces serine, which is neutral and polar, with cysteine, which is neutral and slightly polar, at codon 2252 of the BRCA2 protein (p.Ser2252Cys). This variant is not present in population databases (gnomAD no frequency). This variant has not been reported in the literature in individuals affected with BRCA2-related conditions. ClinVar contains an entry for this variant (Variation ID: 230322). Invitae Evidence Modeling of protein sequence and biophysical properties (such as structural, functional, and spatial information, amino acid conservation, physicochemical variation, residue mobility, and thermodynamic stability) indicates that this missense variant is not expected to disrupt BRCA2 protein function with a negative predictive value of 95%. In summary, the available evidence is currently insufficient to determine the role of this variant in disease. Therefore, it has been classified as a Variant of Uncertain Significance.

University of Washington Department of Laboratory Medicine, University of Washington
Classification: Likely benign for Hereditary cancer-predisposing syndrome. Last evaluated: 2023-03-23. Review status: criteria provided, single submitter. Criteria: Dines et al. (Genet Med. 2020). Collection method: curation. Allele origin: germline.
Comment: Missense variant in a coldspot region where missense variants are very unlikely to be pathogenic (PMID:31911673).

BRCA2 exon 11 coldspot. Reclassification based on statistical prior probability.

Color Diagnostics, LLC DBA Color Health
Classification: Uncertain significance for Hereditary cancer-predisposing syndrome. Last evaluated: 2021-01-10. Review status: criteria provided, single submitter. Criteria: ACMG Guidelines, 2015. Collection method: clinical testing. Allele origin: germline.
Comment: This missense variant replaces serine with cysteine at codon 2252 of the BRCA2 protein. Computational prediction suggests that this variant may not impact protein structure and function (internally defined REVEL score threshold <= 0.5, PMID: 27666373). To our knowledge, functional studies have not been reported for this variant. This variant has not been reported in individuals affected with hereditary cancer in the literature. This variant has not been identified in the general population by the Genome Aggregation Database (gnomAD). The available evidence is insufficient to determine the role of this variant in disease conclusively. Therefore, this variant is classified as a Variant of Uncertain Significance.